The following is an entry in ClinVar:

NM_003743.5(NCOA1):c.800A>G (p.Asp267Gly)

Gene: NCOA1 (nuclear receptor coactivator 1; plus strand). Cytogenetic location: 2p23.3.
Variant type: single nucleotide variant.
Coding change: c.800A>G on transcript NM_003743.5 (MANE Select); coding-DNA position 800, A replaced by G.
Protein change: p.Asp267Gly; replaces aspartic acid 267 with glycine.
Molecular consequence: missense variant.
Genome position (GRCh38, 1-based): chr2:24,693,339, A>G. VCF-style: chr2-24693339-A-G. GRCh37 (hg19) VCF-style: chr2-24916208-A-G.
Other names: c.800A>G, p.Asp267Gly (NM_001362950.1, NM_001362952.1, NM_001362954.1 and 3 more transcripts); short protein forms D267G.
Identifiers: ClinVar variation 4992925 (VCV004992925.1).

ClinVar aggregate classification (germline): Uncertain significance (1 of 4 stars; one submission).

Conditions:
NCOA1-related disorder. Also called: NCOA1-related condition.

Submission:

PreventionGenetics, part of Exact Sciences
Classification: Uncertain significance for NCOA1-related condition. Last evaluated: 2025-11-05. Review status: criteria provided, single submitter. Criteria: ACMG Guidelines, 2015. Collection method: clinical testing. Allele origin: germline.
Comment: The NCOA1 c.800A>G variant is predicted to result in the amino acid substitution p.Asp267Gly. To our knowledge, this variant has not been reported in the literature or in a large population database (gnomAD), indicating this variant is rare. At this time, the clinical significance of this variant is uncertain due to the absence of conclusive functional and genetic evidence.